The following is an entry in ClinVar:

ClinVar aggregate classification (germline): Benign/Likely benign. Review status: criteria provided, multiple submitters, no conflicts (2 of 4 stars). 4 submissions from 4 submitters: Benign (1); Likely benign (2). 1 of the submissions does not count toward it. Last evaluated 2025-12-08.

Conditions:
Rubinstein-Taybi syndrome (RSTS). Identifiers: Orphanet 783, MedGen C0035934, MONDO:0019188.
Rubinstein-Taybi syndrome due to CREBBP mutations (RSTS1). Also called: Rubinstein-Taybi syndrome 1; BROAD THUMBS AND GREAT TOES, CHARACTERISTIC FACIES, AND IMPAIRED INTELLECTUAL DEVELOPMENT; CREBBP-Related Rubinstein-Taybi Syndrome; RUBINSTEIN-TAYBI SYNDROME 1, INCOMPLETE; BROAD THUMB-HALLUX SYNDROME; RUBINSTEIN SYNDROME. Identifiers: Orphanet 353277, Orphanet 783, MedGen C4551859, MONDO:0008393, OMIM 180849.
Menke-Hennekam syndrome 1 (MKHK1). Identifiers: MedGen C5193034, MONDO:0020763, OMIM 618332.
CREBBP-related disorder. Also called: CREBBP-related disorders; CREBBP-related condition.
Inborn genetic diseases. Identifiers: MedGen C0950123, MeSH D030342.

Allele frequency attached by ClinVar (database versions not stated): gnomAD exomes 0.00015; ExAC 0.00020; 1000 Genomes Project 30x 0.00047; TOPMed 0.00052; gnomAD 0.00056 and 0.00063; 1000 Genomes Project 0.00060; ESP Exome Variant Server 0.00077.
gnomAD v4.1: 159 of 1,614,120 alleles (0.0099%); highest among the groups gnomAD compares: African/African-American, 0.19%; no homozygotes.

Submissions (4):

Labcorp Genetics (formerly Invitae), Labcorp
Classification: Benign for Rubinstein-Taybi syndrome. Last evaluated: 2025-12-08. Review status: criteria provided, single submitter. Criteria: Invitae Variant Classification Sherloc (09022015). Collection method: clinical testing. Allele origin: germline.

Fulgent Genetics
Classification: Likely benign for Rubinstein-Taybi syndrome due to CREBBP mutations; Menke-Hennekam syndrome 1. Last evaluated: 2021-11-02. Review status: criteria provided, single submitter. Criteria: ACMG Guidelines, 2015. Collection method: clinical testing. Allele origin: unknown.

Ambry Genetics
Classification: Likely benign for Inborn genetic diseases. Last evaluated: 2017-09-30. Review status: criteria provided, single submitter. Criteria: Ambry Variant Classification Scheme 2023. Collection method: clinical testing. Allele origin: germline.

PreventionGenetics, part of Exact Sciences
Classification: Likely benign for CREBBP-related condition. Last evaluated: 2022-08-16. Review status: no assertion criteria provided. Collection method: clinical testing. Allele origin: germline. Not counted in ClinVar's aggregate classification.
Comment: This variant is classified as likely benign based on ACMG/AMP sequence variant interpretation guidelines (Richards et al. 2015 PMID: 25741868, with internal and published modifications).

NM_004380.3(CREBBP):c.4133+9G>A

Gene: CREBBP (CREB binding lysine acetyltransferase; minus strand). Cytogenetic location: 16p13.3.
Variant type: single nucleotide variant.
Coding change: c.4133+9G>A on transcript NM_004380.3 (MANE Select); 9 bases into the intron after coding-DNA position 4133, G replaced by A.
Molecular consequence: intron variant.
Genome position (GRCh38, 1-based): chr16:3,740,390, C>T on the plus strand (G>A on the coding strand, the complement: CREBBP is on the minus strand). VCF-style: chr16-3740390-C-T. GRCh37 (hg19) VCF-style: chr16-3790391-C-T.
Other names: c.4019+9G>A (NM_001079846.1).
Identifiers: ClinVar variation 707384 (VCV000707384.14), dbSNP rs376602227, ClinGen allele CA7869617.